The following is an entry in ClinVar:

NM_001001563.5(TIMM50):c.1046G>A (p.Arg349His)

Gene: TIMM50 (translocase of inner mitochondrial membrane 50; plus strand). Cytogenetic location: 19q13.2.
Variant type: single nucleotide variant.
Coding change: c.1046G>A on transcript NM_001001563.5 (MANE Select); coding-DNA position 1046, G replaced by A.
Protein change: p.Arg349His; replaces arginine 349 with histidine.
Molecular consequence: missense variant.
Genome position (GRCh38, 1-based): chr19:39,489,804, G>A. VCF-style: chr19-39489804-G-A. GRCh37 (hg19) VCF-style: chr19-39980444-G-A.
Other names: c.1355G>A (NM_001001563.1); c.707G>A, p.Arg236His (NM_001329559.2); short protein forms R236H, R349H.
Identifiers: ClinVar variation 1414523 (VCV001414523.5), dbSNP rs202166024, ClinGen allele CA9432061.

ClinVar aggregate classification (germline): Uncertain significance. Review status: criteria provided, multiple submitters, no conflicts (2 of 4 stars). 2 submissions from 2 submitters: Uncertain significance (2). Last evaluated 2025-11-27.

Conditions:
Inborn genetic diseases. Identifiers: MedGen C0950123, MeSH D030342.

Allele frequency attached by ClinVar (database versions not stated): gnomAD 0.00002 and 0.00003; gnomAD exomes 0.00011; TOPMed 0.00002; ExAC 0.00038; 1000 Genomes Project 0.00040; 1000 Genomes Project 30x 0.00031.

Submissions (2):

Ambry Genetics
Classification: Uncertain significance for Inborn genetic diseases. Last evaluated: 2025-11-27. Review status: criteria provided, single submitter. Criteria: Ambry Variant Classification Scheme 2023. Collection method: clinical testing. Allele origin: germline.

Labcorp Genetics (formerly Invitae), Labcorp
Classification: Uncertain significance. Last evaluated: 2021-03-28. Review status: criteria provided, single submitter. Criteria: Invitae Variant Classification Sherloc (09022015). Collection method: clinical testing. Allele origin: germline.
Comment: In summary, the available evidence is currently insufficient to determine the role of this variant in disease. Therefore, it has been classified as a Variant of Uncertain Significance. Algorithms developed to predict the effect of missense changes on protein structure and function are either unavailable or do not agree on the potential impact of this missense change (SIFT: "Not Available"; PolyPhen-2: "Probably Damaging"; Align-GVGD: "Not Available"). This variant has not been reported in the literature in individuals with TIMM50-related conditions. This variant is present in population databases (rs202166024, ExAC 0.07%). This sequence change replaces arginine with histidine at codon 452 of the TIMM50 protein (p.Arg452His). The arginine residue is highly conserved and there is a small physicochemical difference between arginine and histidine.